The following is an entry in ClinVar:

NM_000512.5(GALNS):c.1243-1G>A

Gene: GALNS (galactosamine (N-acetyl)-6-sulfatase; minus strand). Cytogenetic location: 16q24.3.
Variant type: single nucleotide variant.
Coding change: c.1243-1G>A on transcript NM_000512.5 (MANE Select); the canonical splice acceptor site of the intron before coding-DNA position 1243, G replaced by A.
Molecular consequence: splice acceptor variant.
Genome position (GRCh38, 1-based): chr16:88,822,711, C>T on the plus strand (G>A on the coding strand, the complement: GALNS is on the minus strand). VCF-style: chr16-88822711-C-T. GRCh37 (hg19) VCF-style: chr16-88889119-C-T.
Other names: c.688-1G>A (NM_001323543.2); c.1261-1G>A (NM_001323544.2).
Identifiers: ClinVar variation 1048352 (VCV001048352.3), dbSNP rs1597535277, ClinGen allele CA397096518.
Genomic context (GRCh38, chr16:88,822,711, plus strand): 5'-GTCTTCCAGATTGTGAGTTGTGACCCCTGAAACGTTCTGCCCAGGGCAGAAATCAATGCC[C>T]TGCAATGAGAAGAGGGAAGGTGTGTCCTGGAGCCCCTGACCTGCGGCCGTGAGGGGCCTC-3'

ClinVar aggregate classification (germline): Likely pathogenic (1 of 4 stars; one submission).

Conditions:
Mucopolysaccharidosis, MPS-IV-A (MPS4A). Also called: Mucopolysaccharidosis type IV A; Mucopolysaccharidosis Type IVA; Morquio syndrome A, mild; MORQUIO SYNDROME A; MPS IVA; mucopolysaccharidosis type 4A. Identifiers: Orphanet 309297, Orphanet 582, MedGen C0086651, MONDO:0009659, OMIM 253000.

Allele frequency attached by ClinVar (database versions not stated): gnomAD exomes below 0.00001.
gnomAD v4.1: 1 of 1,612,120 alleles (0.000062%); highest among the groups gnomAD compares: African/African-American, 0.0013%; no homozygotes.

Submission:

Laboratory of Diagnosis and Therapy of Lysosomal Disorders, University of Padova
Classification: Likely pathogenic for Mucopolysaccharidosis, MPS-IV-A. Last evaluated: 2021-02-01. Review status: criteria provided, single submitter. Criteria: ACMG Guidelines, 2015. Collection method: curation. Allele origin: germline. Affected: yes.
Comment: Splicing variant in canonical site (PVS1_very strong); absent from gnomAD v2.1.1 (PM2_moderate)

Literature cited by the submitters: PubMed 23227063; PubMed 23401410; PubMed 9298823; PubMed 34387910.